The following is an entry in ClinVar:

NM_001242896.3(DEPDC5):c.1225del (p.Thr409fs)

Gene: DEPDC5 (DEP domain containing 5, GATOR1 subcomplex subunit; plus strand). Cytogenetic location: 22q12.3.
Variant type: Deletion.
Coding change: c.1225del on transcript NM_001242896.3 (MANE Select); coding-DNA position 1225, one base deleted (A; older notation c.1225delA).
Protein change: p.Thr409fs; shifts the reading frame from threonine 409.
Molecular consequence: frameshift variant. On other transcripts: non-coding transcript variant (5).
Genome position (GRCh38, 1-based): chr22:31,806,129, A deleted. VCF-style (leftmost placement, unchanged base first): chr22-31806128-CA-C. GRCh37 (hg19) VCF-style: chr22-32202114-CA-C.
Other names: c.1225del, p.Thr409fs (NM_001007188.4, NM_001136029.4, NM_001242897.2 and 7 more transcripts); c.1141del, p.Thr381fs (NM_001369901.1, NM_001369902.1); short protein forms T381fs, T409fs.
Identifiers: ClinVar variation 1709019 (VCV001709019.2), dbSNP rs2518975185, ClinGen allele CA2580099657.

ClinVar aggregate classification (germline): Likely pathogenic (1 of 4 stars; one submission).

Conditions:
Epilepsy, familial focal, with variable foci 1 (FFEVF1). Also called: DEPDC5-Related Epilepsy. Identifiers: MedGen C4551983, MONDO:0024556, OMIM 604364.

Submission:

MGZ Medical Genetics Center
Classification: Likely pathogenic for Epilepsy, familial focal, with variable foci 1. Last evaluated: 2021-12-06. Review status: criteria provided, single submitter. Criteria: ACMG Guidelines, 2015. Collection method: clinical testing. Allele origin: germline. Affected: yes. Observed: 1 variant allele.
Comment: ACMG criteria applied: PVS1, PM2_SUP